The following is an entry in ClinVar:

ClinVar aggregate classification (germline): Uncertain significance (1 of 4 stars; one submission).

Conditions:
CHARGE syndrome (CHARGE). Also called: Hittner Hirsch Kreh syndrome; CHARGE ASSOCIATION--COLOBOMA, HEART ANOMALY, CHOANAL ATRESIA, RETARDATION, GENITAL AND EAR ANOMALIES; Coloboma, heart anomaly, choanal atresia, retardation, genital and ear anomalies; CHARGE association; Hall-Hittner syndrome. Identifiers: Orphanet 138, MedGen C0265354, MONDO:0008965.

gnomAD v4.1: 5 of 1,612,548 alleles (0.00031%); highest among the groups gnomAD compares: Non-Finnish European, 0.00042%; no homozygotes.

Submission:

Labcorp Genetics (formerly Invitae), Labcorp
Classification: Uncertain significance for CHARGE syndrome. Last evaluated: 2024-03-05. Review status: criteria provided, single submitter. Criteria: Invitae Variant Classification Sherloc (09022015). Collection method: clinical testing. Allele origin: germline.
Comment: This sequence change replaces glutamic acid, which is acidic and polar, with glycine, which is neutral and non-polar, at codon 22 of the CHD7 protein (p.Glu22Gly). This variant is not present in population databases (gnomAD no frequency). This variant has not been reported in the literature in individuals affected with CHD7-related conditions. Advanced modeling of protein sequence and biophysical properties (such as structural, functional, and spatial information, amino acid conservation, physicochemical variation, residue mobility, and thermodynamic stability) performed at Invitae indicates that this missense variant is not expected to disrupt CHD7 protein function with a negative predictive value of 95%. In summary, the available evidence is currently insufficient to determine the role of this variant in disease. Therefore, it has been classified as a Variant of Uncertain Significance.

NM_017780.4(CHD7):c.65A>G (p.Glu22Gly)

Gene: CHD7 (chromodomain helicase DNA binding protein 7; plus strand). Cytogenetic location: 8q12.2.
Variant type: single nucleotide variant.
Coding change: c.65A>G on transcript NM_017780.4 (MANE Select); coding-DNA position 65, A replaced by G.
Protein change: p.Glu22Gly; replaces glutamic acid 22 with glycine.
Molecular consequence: missense variant.
Genome position (GRCh38, 1-based): chr8:60,741,497, A>G. VCF-style: chr8-60741497-A-G. GRCh37 (hg19) VCF-style: chr8-61654056-A-G.
Other names: c.65A>G, p.Glu22Gly (NM_001316690.1); short protein forms E22G.
Identifiers: ClinVar variation 3624324 (VCV003624324.2).